The following is an entry in ClinVar:

NM_001165963.4(SCN1A):c.3888G>T (p.Leu1296Phe)

Genes: SCN1A (sodium voltage-gated channel alpha subunit 1; minus strand), LOC102724058 (uncharacterized LOC102724058; plus strand). Cytogenetic location: 2q24.3.
Variant type: single nucleotide variant.
Coding change: c.3888G>T on transcript NM_001165963.4 (MANE Select); coding-DNA position 3888, G replaced by T.
Protein change: p.Leu1296Phe; replaces leucine 1296 with phenylalanine.
Molecular consequence: missense variant. On other transcripts: non-coding transcript variant (1).
Genome position (GRCh38, 1-based): chr2:166,009,833, C>A on the plus strand (G>T on the coding strand, the complement: SCN1A is on the minus strand). VCF-style: chr2-166009833-C-A. GRCh37 (hg19) VCF-style: chr2-166866343-C-A.
Other names: c.3804G>T, p.Leu1268Phe (NM_001165964.3, NM_001353957.2, NM_001353958.2); c.3888G>T, p.Leu1296Phe (NM_001202435.3, NM_001353948.2); c.3855G>T, p.Leu1285Phe (NM_001353949.2, NM_001353950.2, NM_001353951.2 and 2 more transcripts); c.3852G>T, p.Leu1284Phe (NM_001353954.2, NM_001353955.2); c.3801G>T, p.Leu1267Phe (NM_001353960.2); c.1446G>T, p.Leu482Phe (NM_001353961.2); short protein forms L1285F, L1268F, L482F, L1267F, L1284F, L1296F.
Identifiers: ClinVar variation 376833 (VCV000376833.5), dbSNP rs998325208, ClinGen allele CA16603180.
Genomic context (GRCh38, chr2:166,009,833, plus strand): 5'-CCTGAGAGATTTGATGGCTCCAAGTTCTGAGTAACCCAAGGCATTTGCTGTTAAACTGAC[C>A]AATGAAACCTGCACACACAAAAATAATAACAATTAATAAACAGAATCATCATTCAATGTG-3'
Protein context (NP_001159435.1, residues 1286-1306): WLDFLIVDVS[Leu1296Phe]VSLTANALGY

ClinVar aggregate classification (germline): Uncertain significance. Review status: criteria provided, multiple submitters, no conflicts (2 of 4 stars). 2 submissions from 2 submitters: Uncertain significance (2). Last evaluated 2024-02-21.

Conditions:
Early-infantile DEE. Also called: Ohtahara syndrome; Early infantile epileptic encephalopathy with suppression bursts; Early infantile epileptic encephalopathy. Identifiers: Orphanet 1934, MedGen C0393706, MONDO:0800491.

Submissions (2):

Labcorp Genetics (formerly Invitae), Labcorp
Classification: Uncertain significance for Early-infantile DEE. Last evaluated: 2024-02-21. Review status: criteria provided, single submitter. Criteria: Invitae Variant Classification Sherloc (09022015). Collection method: clinical testing. Allele origin: germline.
Comment: This sequence change replaces leucine, which is neutral and non-polar, with phenylalanine, which is neutral and non-polar, at codon 1296 of the SCN1A protein (p.Leu1296Phe). This variant is not present in population databases (gnomAD no frequency). This variant has not been reported in the literature in individuals affected with SCN1A-related conditions. ClinVar contains an entry for this variant (Variation ID: 376833). Advanced modeling of protein sequence and biophysical properties (such as structural, functional, and spatial information, amino acid conservation, physicochemical variation, residue mobility, and thermodynamic stability) performed at Invitae indicates that this missense variant is expected to disrupt SCN1A protein function with a positive predictive value of 95%. In summary, the available evidence is currently insufficient to determine the role of this variant in disease. Therefore, it has been classified as a Variant of Uncertain Significance.

Center for Pediatric Genomic Medicine, Children's Mercy Hospital and Clinics
Classification: Uncertain significance. Last evaluated: 2016-07-13. Review status: criteria provided, single submitter. Criteria: ACMG Guidelines, 2015. Collection method: clinical testing. Allele origin: germline.
ClinVar note: Converted during submission from Uncertain Significance to Uncertain significance.